The following is an entry in ClinVar:

ClinVar aggregate classification (germline): Uncertain significance (1 of 4 stars; one submission).

Conditions:
Klippel-Feil syndrome 1, autosomal dominant (KFS1). Also called: CERVICAL VERTEBRAL FUSION, AUTOSOMAL DOMINANT. Identifiers: Orphanet 2345, MedGen C1861689, MONDO:0007306, OMIM 118100.
Leber congenital amaurosis 17 (LCA17). Identifiers: Orphanet 65, MedGen C3715164, MONDO:0014145, OMIM 615360.
Isolated microphthalmia 4. Identifiers: Orphanet 2542, MedGen C2751307, MONDO:0013130, OMIM 613094.
Microphthalmia, isolated, with coloboma 6 (MCOPCB6). Also called: Microphthalmia with coloboma 6, digenic; Microphthalmia with coloboma 6; MICROPHTHALMIA/COLOBOMA 6. Identifiers: Orphanet 98938, MedGen C3150968, MONDO:0013376, OMIM 613703.

Allele frequency attached by ClinVar (database versions not stated): TOPMed 0.00001.
gnomAD v4.1: 10 of 1,529,982 alleles (0.00065%); highest among the groups gnomAD compares: Non-Finnish European, 0.0007%; no homozygotes.

Submission:

Labcorp Genetics (formerly Invitae), Labcorp
Classification: Uncertain significance for Isolated microphthalmia 4; Leber congenital amaurosis 17; Klippel-Feil syndrome 1, autosomal dominant; Microphthalmia, isolated, with coloboma 6. Last evaluated: 2020-07-03. Review status: criteria provided, single submitter. Criteria: Invitae Variant Classification Sherloc (09022015). Collection method: clinical testing. Allele origin: germline.
Comment: In summary, the available evidence is currently insufficient to determine the role of this variant in disease. Therefore, it has been classified as a Variant of Uncertain Significance. Algorithms developed to predict the effect of missense changes on protein structure and function are either unavailable or do not agree on the potential impact of this missense change (SIFT: "Tolerated"; PolyPhen-2: "Possibly Damaging"; Align-GVGD: "Class C0"). This variant has not been reported in the literature in individuals with GDF6-related conditions. The frequency data for this variant in the population databases is considered unreliable, as metrics indicate insufficient coverage at this position in the ExAC database. This sequence change replaces glycine with serine at codon 211 of the GDF6 protein (p.Gly211Ser). The glycine residue is highly conserved and there is a small physicochemical difference between glycine and serine.

NM_001001557.4(GDF6):c.631G>A (p.Gly211Ser)

Gene: GDF6 (growth differentiation factor 6; minus strand). Cytogenetic location: 8q22.1.
Variant type: single nucleotide variant.
Coding change: c.631G>A on transcript NM_001001557.4 (MANE Select); coding-DNA position 631, G replaced by A.
Protein change: p.Gly211Ser; replaces glycine 211 with serine.
Molecular consequence: missense variant.
Genome position (GRCh38, 1-based): chr8:96,145,300, C>T on the plus strand (G>A on the coding strand, the complement: GDF6 is on the minus strand). VCF-style: chr8-96145300-C-T. GRCh37 (hg19) VCF-style: chr8-97157528-C-T.
Other names: short protein forms G211S.
Identifiers: ClinVar variation 1034940 (VCV001034940.8), dbSNP rs552234954, ClinGen allele CA371752201.